The following is an entry in ClinVar:

ClinVar aggregate classification (germline): Uncertain significance (1 of 4 stars; one submission).

Conditions:
Autosomal recessive limb-girdle muscular dystrophy type 2W (MDRCMTT). Also called: Muscular dystrophy, autosomal recessive, with cardiomyopathy and triangular tongue; Muscular dystrophy, limb-girdle, type 2W. Identifiers: MedGen C4225192, MONDO:0014788, OMIM 616827.

Allele frequency attached by ClinVar (database versions not stated): gnomAD 0.00001; gnomAD exomes 0.00001; TOPMed 0.00001.
gnomAD v4.1: 13 of 1,614,050 alleles (0.00081%); highest among the groups gnomAD compares: South Asian, 0.0011%; no homozygotes.

Submission:

Labcorp Genetics (formerly Invitae), Labcorp
Classification: Uncertain significance for Autosomal recessive limb-girdle muscular dystrophy type 2W. Last evaluated: 2024-09-30. Review status: criteria provided, single submitter. Criteria: Invitae Variant Classification Sherloc (09022015). Collection method: clinical testing. Allele origin: germline.
Comment: This sequence change replaces aspartic acid, which is acidic and polar, with asparagine, which is neutral and polar, at codon 89 of the LIMS2 protein (p.Asp89Asn). This variant is not present in population databases (gnomAD no frequency). This variant has not been reported in the literature in individuals affected with LIMS2-related conditions. ClinVar contains an entry for this variant (Variation ID: 1439422). An algorithm developed to predict the effect of missense changes on protein structure and function (PolyPhen-2) suggests that this variant is likely to be disruptive. In summary, the available evidence is currently insufficient to determine the role of this variant in disease. Therefore, it has been classified as a Variant of Uncertain Significance.

NM_001161403.3(LIMS2):c.199G>A (p.Asp67Asn)

Gene: LIMS2 (LIM zinc finger domain containing 2; minus strand). Cytogenetic location: 2q14.3.
Variant type: single nucleotide variant.
Coding change: c.199G>A on transcript NM_001161403.3 (MANE Select); coding-DNA position 199, G replaced by A.
Protein change: p.Asp67Asn; replaces aspartic acid 67 with asparagine.
Molecular consequence: missense variant.
Genome position (GRCh38, 1-based): chr2:127,654,869, C>T on the plus strand (G>A on the coding strand, the complement: LIMS2 is on the minus strand). VCF-style: chr2-127654869-C-T. GRCh37 (hg19) VCF-style: chr2-128412443-C-T.
Other names: c.265G>A, p.Asp89Asn (NM_001136037.4); c.184G>A, p.Asp62Asn (NM_001161404.2); c.271G>A, p.Asp91Asn (NM_017980.5); short protein forms D67N, D62N, D89N, D91N.
Identifiers: ClinVar variation 1439422 (VCV001439422.8), dbSNP rs1017450419, ClinGen allele CA55436792.